The following is an entry in ClinVar:

ClinVar aggregate classification (germline): Uncertain significance (1 of 4 stars; one submission).

Conditions:
MGME1-related disorder. Also called: MGME1-related condition.

Submission:

PreventionGenetics, part of Exact Sciences
Classification: Uncertain significance for MGME1-related condition. Last evaluated: 2025-11-24. Review status: criteria provided, single submitter. Criteria: ACMG Guidelines, 2015. Collection method: clinical testing. Allele origin: germline.
Comment: The MGME1 c.118A>G variant is predicted to result in the amino acid substitution p.Lys40Glu. To our knowledge, this variant has not been reported in the literature. This variant is reported in 0.016% of alleles in individuals of South Asian descent in gnomAD. At this time, the clinical significance of this variant is uncertain due to the absence of conclusive functional and genetic evidence.

NM_052865.4(MGME1):c.118A>G (p.Lys40Glu)

Genes: MGME1 (mitochondrial genome maintenance exonuclease 1; plus strand), LOC126862983 (CDK7 strongly-dependent group 2 enhancer GRCh37_chr20:17950167-17951366; plus strand). Cytogenetic location: 20p11.23.
Variant type: single nucleotide variant.
Coding change: c.118A>G on transcript NM_052865.4 (MANE Select); coding-DNA position 118, A replaced by G.
Protein change: p.Lys40Glu; replaces lysine 40 with glutamic acid.
Molecular consequence: missense variant.
Genome position (GRCh38, 1-based): chr20:17,969,977, A>G. VCF-style: chr20-17969977-A-G. GRCh37 (hg19) VCF-style: chr20-17950620-A-G.
Other names: c.118A>G, p.Lys40Glu (NM_001310338.2, NM_001310339.2, NM_001363738.2); short protein forms K40E.
Identifiers: ClinVar variation 4994511 (VCV004994511.1).